The following is an entry in ClinVar:

ClinVar aggregate classification (germline): Uncertain significance (1 of 4 stars; one submission).

Submission:

Labcorp Genetics (formerly Invitae), Labcorp
Classification: Uncertain significance. Last evaluated: 2025-12-01. Review status: criteria provided, single submitter. Criteria: Invitae Variant Classification Sherloc (09022015). Collection method: clinical testing. Allele origin: germline.
Comment: This sequence change replaces histidine, which is basic and polar, with leucine, which is neutral and non-polar, at codon 340 of the PPP2R1A protein (p.His340Leu). This variant is not present in population databases (gnomAD no frequency). This variant has not been reported in the literature in individuals affected with PPP2R1A-related conditions. An algorithm developed to predict the effect of missense changes on protein structure and function (PolyPhen-2) suggests that this variant is likely to be tolerated. In summary, the available evidence is currently insufficient to determine the role of this variant in disease. Therefore, it has been classified as a Variant of Uncertain Significance.

NM_014225.6(PPP2R1A):c.1019A>T (p.His340Leu)

Gene: PPP2R1A (protein phosphatase 2 scaffold subunit Aalpha; plus strand). Cytogenetic location: 19q13.41.
Variant type: single nucleotide variant.
Coding change: c.1019A>T on transcript NM_014225.6 (MANE Select); coding-DNA position 1019, A replaced by T.
Protein change: p.His340Leu; replaces histidine 340 with leucine.
Molecular consequence: missense variant. On other transcripts: non-coding transcript variant (1).
Genome position (GRCh38, 1-based): chr19:52,216,554, A>T. VCF-style: chr19-52216554-A-T. GRCh37 (hg19) VCF-style: chr19-52719807-A-T.
Other names: c.482A>T, p.His161Leu (NM_001363656.2); short protein forms H161L, H340L.
Identifiers: ClinVar variation 4712837 (VCV004712837.1).
Genomic context (GRCh38, chr19:52,216,554, plus strand): 5'-CACTGACCCCTGTGCCTGCCTCTTCTCTCTCCCAGGAGCTGGTGTCCGATGCCAACCAAC[A>T]TGTCAAGTCTGCCCTGGCCTCAGTCATCATGGGTCTCTCTCCCATCTTGGGCAAAGACAA-3'
Protein context (NP_055040.2, residues 330-350): IKELVSDANQ[His340Leu]VKSALASVIM